The following is an entry in ClinVar:

NM_000078.3(CETP):c.466G>A (p.Asp156Asn)

Gene: CETP (cholesteryl ester transfer protein; plus strand). Cytogenetic location: 16q13.
Variant type: single nucleotide variant.
Coding change: c.466G>A on transcript NM_000078.3 (MANE Select); coding-DNA position 466, G replaced by A.
Protein change: p.Asp156Asn; replaces aspartic acid 156 with asparagine.
Molecular consequence: missense variant.
Genome position (GRCh38, 1-based): chr16:56,969,940, G>A. VCF-style: chr16-56969940-G-A. GRCh37 (hg19) VCF-style: chr16-57003852-G-A.
Other names: c.466G>A, p.Asp156Asn (NM_001286085.2); short protein forms D156N.
Identifiers: ClinVar variation 319979 (VCV000319979.13), dbSNP rs201778606, ClinGen allele CA8070947.
Genomic context (GRCh38, chr16:56,969,940, plus strand): 5'-GGCTGCCCTGAGGTCATGTCGGGTCTCCCTGCAGCCTGTGACTCTGGTAGAGTGCGGACC[G>A]ATGCCCCTGACTGCTACCTGTCTTTCCATAAGCTGCTCCTGCATCTCCAAGGGGAGCGAG-3'
Protein context (NP_000069.2, residues 146-166): LTCDSGRVRT[Asp156Asn]APDCYLSFHK

ClinVar aggregate classification (germline): Likely benign. Review status: criteria provided, multiple submitters, no conflicts (2 of 4 stars). 3 submissions from 3 submitters: Likely benign (3). Last evaluated 2025-04-20.

Conditions:
Hyperalphalipoproteinemia 1 (HALP1). Also called: CETP-Related Hyperalphalipoproteinemia; CETP DEFICIENCY. Identifiers: MedGen C3149462, OMIM 143470.

Allele frequency attached by ClinVar (database versions not stated): gnomAD exomes 0.00007 and 0.00012; ESP Exome Variant Server 0.00008; ExAC 0.00015; 1000 Genomes Project 30x 0.00016; 1000 Genomes Project 0.00020; TOPMed 0.00020; gnomAD 0.00021 and 0.00023.

Submissions (3):

Labcorp Genetics (formerly Invitae), Labcorp
Classification: Likely benign. Last evaluated: 2025-04-20. Review status: criteria provided, single submitter. Criteria: Invitae Variant Classification Sherloc (09022015). Collection method: clinical testing. Allele origin: germline.

Ambry Genetics
Classification: Likely benign. Last evaluated: 2022-08-03. Review status: criteria provided, single submitter. Criteria: Ambry Variant Classification Scheme 2023. Collection method: clinical testing. Allele origin: germline.

Illumina Laboratory Services, Illumina
Classification: Likely benign for Hyperalphalipoproteinemia 1. Last evaluated: 2017-04-28. Review status: criteria provided, single submitter. Criteria: ICSL Variant Classification Criteria 13 December 2019. Collection method: clinical testing. Allele origin: germline.
Comment: This variant was observed as part of a predisposition screen in an ostensibly healthy population. A literature search was performed for the gene, cDNA change, and amino acid change (where applicable). No publications were found based on this search. Allele frequency data from public databases allowed determination this variant is unlikely to cause disease. Therefore, this variant is classified as likely benign.